The following is an entry in ClinVar:

NM_002282.3(KRT83):c.300A>C (p.Ile100=)

Gene: KRT83 (keratin 83; minus strand). Cytogenetic location: 12q13.13.
Variant type: single nucleotide variant.
Coding change: c.300A>C on transcript NM_002282.3 (MANE Select); coding-DNA position 300, A replaced by C.
Protein change: p.Ile100=; no amino-acid change (isoleucine 100 retained).
Molecular consequence: synonymous variant.
Genome position (GRCh38, 1-based): chr12:52,321,036, T>G on the plus strand (A>C on the coding strand, the complement: KRT83 is on the minus strand). VCF-style: chr12-52321036-T-G. GRCh37 (hg19) VCF-style: chr12-52714820-T-G.
Identifiers: ClinVar variation 2643014 (VCV002643014.24), dbSNP rs549134397, ClinGen allele CA6577748.

ClinVar aggregate classification (germline): Likely benign (1 of 4 stars; one submission).

Allele frequency attached by ClinVar (database versions not stated): gnomAD exomes 0.00008; ExAC 0.00009; gnomAD 0.00010; 1000 Genomes Project 30x 0.00016; 1000 Genomes Project 0.00020; TOPMed 0.00026.
gnomAD v4.1: 147 of 1,612,764 alleles (0.0091%); highest among the groups gnomAD compares: Middle Eastern, 0.019%; 1 homozygote.

Submission:

CeGaT Center for Human Genetics Tuebingen
Classification: Likely benign. Last evaluated: 2023-01-01. Review status: criteria provided, single submitter. Criteria: CeGaT Center For Human Genetics Tuebingen Variant Classification Criteria Version 2. Collection method: clinical testing. Allele origin: germline. Affected: yes. Observed: 1 variant allele.
Comment: KRT83: BP4, BP7